The following is an entry in ClinVar:

ClinVar aggregate classification (germline): Uncertain significance (1 of 4 stars; one submission).

Conditions:
Inborn genetic diseases. Identifiers: MedGen C0950123, MeSH D030342.

gnomAD v4.1: 4 of 1,614,028 alleles (0.00025%); highest among the groups gnomAD compares: Admixed American, 0.0067%; 1 homozygote.

Submission:

Ambry Genetics
Classification: Uncertain significance for Inborn genetic diseases. Last evaluated: 2025-12-02. Review status: criteria provided, single submitter. Criteria: Ambry Variant Classification Scheme 2023. Collection method: clinical testing. Allele origin: germline.
Comment: The c.962T>C (p.F321S) alteration is located in exon 7 (coding exon 7) of the CNTNAP2 gene. This alteration results from a T to C substitution at nucleotide position 962, causing the phenylalanine (F) at amino acid position 321 to be replaced by a serine (S). Based on data from gnomAD, the C allele has an overall frequency of 0.002% (4/251190) total alleles studied. The highest observed frequency was 0.012% (4/34578) of Latino alleles. Based on insufficient or conflicting evidence, the clinical significance of this alteration remains unclear.

NM_014141.6(CNTNAP2):c.962T>C (p.Phe321Ser)

Gene: CNTNAP2 (contactin associated protein 2; plus strand). Cytogenetic location: 7q35.
Variant type: single nucleotide variant.
Coding change: c.962T>C on transcript NM_014141.6 (MANE Select); coding-DNA position 962, T replaced by C.
Protein change: p.Phe321Ser; replaces phenylalanine 321 with serine.
Molecular consequence: missense variant.
Genome position (GRCh38, 1-based): chr7:147,128,715, T>C. VCF-style: chr7-147128715-T-C. GRCh37 (hg19) VCF-style: chr7-146825807-T-C.
Other names: short protein forms F321S.
Identifiers: ClinVar variation 4616068 (VCV004616068.1).